The following is an entry in ClinVar:

ClinVar aggregate classification (germline): Likely benign (0 of 4 stars; one submission).

Conditions:
PADI6-related disorder. Also called: PADI6-related condition.

Allele frequency attached by ClinVar (database versions not stated): gnomAD exomes 0.00006; ExAC 0.00022; TOPMed 0.00075; gnomAD 0.00078; 1000 Genomes Project 30x 0.00094; 1000 Genomes Project 0.00100; ESP Exome Variant Server 0.00104.
gnomAD v4.1: 201 of 1,612,434 alleles (0.012%); highest among the groups gnomAD compares: African/African-American, 0.25%; no homozygotes.

Submission:

PreventionGenetics, part of Exact Sciences
Classification: Likely benign for PADI6-related condition. Last evaluated: 2019-12-12. Review status: no assertion criteria provided. Collection method: clinical testing. Allele origin: germline.
Comment: This variant is classified as likely benign based on ACMG/AMP sequence variant interpretation guidelines (Richards et al. 2015 PMID: 25741868, with internal and published modifications).

NM_207421.4(PADI6):c.1075-6T>C

Genes: PADI6 (peptidyl arginine deiminase 6; plus strand), LOC126805635 (BRD4-independent group 4 enhancer GRCh37_chr1:17720217-17721416; plus strand). Cytogenetic location: 1p36.13.
Variant type: single nucleotide variant.
Coding change: c.1075-6T>C on transcript NM_207421.4 (MANE Select); 6 bases into the intron before coding-DNA position 1075, T replaced by C.
Molecular consequence: intron variant.
Genome position (GRCh38, 1-based): chr1:17,393,969, T>C. VCF-style: chr1-17393969-T-C. GRCh37 (hg19) VCF-style: chr1-17720465-T-C.
Identifiers: ClinVar variation 3048665 (VCV003048665.2), dbSNP rs114841763, ClinGen allele CA641632.
Genomic context (GRCh38, chr1:17,393,969, plus strand): 5'-TTTTCCGTAAATGGGGTCCGGGGAGATGTGTGACTGGCAAACAATCTGTCTTCCTCTCCA[T>C]TCCAGGATGAGATGGCCTTCTGCTACACCCAGGCTCCCCACAAGACAACGTCCTTGATCC-3'